The following is an entry in ClinVar:

ClinVar aggregate classification (germline): Pathogenic (0 of 4 stars; one submission).

Conditions:
Cutis laxa with osteodystrophy (ARCL2A). Also called: CUTIS LAXA, AUTOSOMAL RECESSIVE, TYPE IIA; Debré-Type Cutis Laxa; CUTIS LAXA WITH CONGENITAL DISORDER OF GLYCOSYLATION; CUTIS LAXA WITH BONE DYSTROPHY; CUTIS LAXA WITH GROWTH AND DEVELOPMENTAL DELAY; CUTIS LAXA WITH JOINT LAXITY AND RETARDED DEVELOPMENT. Identifiers: Orphanet 357058, MedGen C0268355, MONDO:0018163, OMIM 219200. Disease mechanism: loss of function.

Submission:

Balikesir University Health Practice and Research Hospital, Diagnosis Center of Genetic Diseases, Balikesir University, Faculty of Medicine, Deparment of Medical Genetics
Classification: Pathogenic for Cutis laxa, autosomal recessive, type IIA. Last evaluated: 2025-12-01. Review status: no assertion criteria provided. Collection method: clinical testing. Allele origin: germline. Inheritance: Autosomal recessive inheritance. Affected: yes.
Comment: The variant is a single-exon deletion resulting in complete loss of exon 16 of the ATP6V0A2 transcript (NM_012463.4). Variant interpretation was performed in accordance with the ACMG/AMP standards and guidelines, with additional consideration of previously published evidence (PMID: 31534211). The variant fulfills the criteria for PVS1, PS1, PM2, PP1 and PP4. Taken together, these criteria support classification of the variant as pathogenic.

Literature cited by the submitters: PubMed 4544753.

NM_012463.4(ATP6V0A2):c.1936-147_2055+113del

Gene: ATP6V0A2 (ATPase H+ transporting V0 subunit a2; plus strand). Cytogenetic location: 12q24.31.
Variant type: Deletion.
Coding change: c.1936-147_2055+113del on transcript NM_012463.4 (MANE Select); 147 bases into the intron before coding-DNA position 1936 through 113 bases into the intron after coding-DNA position 2055, 380 bases deleted.
Molecular consequence: splice acceptor variant, splice donor variant.
Genome position (GRCh38, 1-based): chr12:123,750,963-123,751,342, 380 bases deleted. GRCh37 (hg19): chr12:124,235,510-124,235,889.
Identifiers: ClinVar variation 4540578 (VCV004540578.1).